The following is an entry in ClinVar:

NM_000237.3(LPL):c.1256A>T (p.Asp419Val)

Gene: LPL (lipoprotein lipase; plus strand). Cytogenetic location: 8p21.3.
Variant type: single nucleotide variant.
Coding change: c.1256A>T on transcript NM_000237.3 (MANE Select); coding-DNA position 1256, A replaced by T.
Protein change: p.Asp419Val; replaces aspartic acid 419 with valine.
Molecular consequence: missense variant.
Genome position (GRCh38, 1-based): chr8:19,961,017, A>T. VCF-style: chr8-19961017-A-T. GRCh37 (hg19) VCF-style: chr8-19818528-A-T.
Other names: short protein forms D419V.
Identifiers: ClinVar variation 3291190 (VCV003291190.1).

ClinVar aggregate classification (germline): Uncertain significance (1 of 4 stars; one submission).

Conditions:
Cardiovascular phenotype. Identifiers: MedGen CN230736.

gnomAD v4.1: 1 of 1,614,170 alleles (0.000062%); highest among the groups gnomAD compares: Non-Finnish European, 0.000085%; no homozygotes.

Submission:

Ambry Genetics
Classification: Uncertain significance for Cardiovascular phenotype. Last evaluated: 2024-05-11. Review status: criteria provided, single submitter. Criteria: Ambry Variant Classification Scheme 2023. Collection method: clinical testing. Allele origin: germline.
Comment: The p.D419V variant (also known as c.1256A>T), located in coding exon 8 of the LPL gene, results from an A to T substitution at nucleotide position 1256. The aspartic acid at codon 419 is replaced by valine, an amino acid with highly dissimilar properties. This amino acid position is conserved. In addition, this alteration is predicted to be tolerated by in silico analysis. Based on the available evidence, the clinical significance of this variant remains unclear.